The following is an entry in ClinVar:

ClinVar aggregate classification (germline): Uncertain significance (1 of 4 stars; one submission).

Allele frequency attached by ClinVar (database versions not stated): TOPMed below 0.00001.
gnomAD v4.1: 1 of 1,612,400 alleles (0.000062%); highest among the groups gnomAD compares: Non-Finnish European, 0.000085%; no homozygotes.

Submission:

GeneDx
Classification: Uncertain significance. Last evaluated: 2016-08-18. Review status: criteria provided, single submitter. Criteria: GeneDx Variant Classification (06012015). Collection method: clinical testing. Allele origin: germline. Affected: yes.
Comment: The R167K variant in the CFI has not been reported previously as a pathogenic variant, nor as a benign variant, to our knowledge. The R167K variant was not observed in approximately 6500 individuals of European and African American ancestry in the NHLBI Exome Sequencing Project, indicating it is not a common benign variant in these populations. The R167K variant is a conservative amino acid substitution, which is not likely to impact secondary protein structure as these residues share similar properties. This substitution occurs at a position that is not conserved, and in silico analysis predicts this variant likely does not alter the protein structure/function. We interpret R167K as a variant of uncertain significance.

NM_000204.5(CFI):c.500G>A (p.Arg167Lys)

Gene: CFI (complement factor I; minus strand). Cytogenetic location: 4q25.
Variant type: single nucleotide variant.
Coding change: c.500G>A on transcript NM_000204.5 (MANE Select); coding-DNA position 500, G replaced by A.
Protein change: p.Arg167Lys; replaces arginine 167 with lysine.
Molecular consequence: missense variant. On other transcripts: 5 prime UTR variant (1), non-coding transcript variant (3).
Genome position (GRCh38, 1-based): chr4:109,761,675, C>T on the plus strand (G>A on the coding strand, the complement: CFI is on the minus strand). VCF-style: chr4-109761675-C-T. GRCh37 (hg19) VCF-style: chr4-110682831-C-T.
Other names: c.500G>A, p.Arg167Lys (NM_001318057.2, NM_001331035.2, NM_001375278.1 and 5 more transcripts); c.-110G>A (NM_001375284.1); short protein forms R167K.
Identifiers: ClinVar variation 422037 (VCV000422037.2), dbSNP rs1064795516, ClinGen allele CA16618022.